The following is an entry in ClinVar:

ClinVar aggregate classification (germline): Uncertain significance (1 of 4 stars; one submission).

Submission:

Labcorp Genetics (formerly Invitae), Labcorp
Classification: Uncertain significance. Last evaluated: 2024-02-24. Review status: criteria provided, single submitter. Criteria: Invitae Variant Classification Sherloc (09022015). Collection method: clinical testing. Allele origin: germline.
Comment: This sequence change replaces proline, which is neutral and non-polar, with threonine, which is neutral and polar, at codon 3011 of the KMT2A protein (p.Pro3011Thr). This variant is not present in population databases (gnomAD no frequency). This variant has not been reported in the literature in individuals affected with KMT2A-related conditions. ClinVar contains an entry for this variant (Variation ID: 1436934). Advanced modeling of protein sequence and biophysical properties (such as structural, functional, and spatial information, amino acid conservation, physicochemical variation, residue mobility, and thermodynamic stability) performed at Invitae indicates that this missense variant is not expected to disrupt KMT2A protein function with a negative predictive value of 95%. In summary, the available evidence is currently insufficient to determine the role of this variant in disease. Therefore, it has been classified as a Variant of Uncertain Significance.

NM_001197104.2(KMT2A):c.9031C>A (p.Pro3011Thr)

Gene: KMT2A (lysine methyltransferase 2A; plus strand). Cytogenetic location: 11q23.3.
Variant type: single nucleotide variant.
Coding change: c.9031C>A on transcript NM_001197104.2 (MANE Select); coding-DNA position 9031, C replaced by A.
Protein change: p.Pro3011Thr; replaces proline 3011 with threonine.
Molecular consequence: missense variant.
Genome position (GRCh38, 1-based): chr11:118,504,923, C>A. VCF-style: chr11-118504923-C-A. GRCh37 (hg19) VCF-style: chr11-118375638-C-A.
Other names: c.9022C>A, p.Pro3008Thr (NM_005933.4); short protein forms P3008T, P3011T.
Identifiers: ClinVar variation 1436934 (VCV001436934.8), dbSNP rs1950555877, ClinGen allele CA382817857.